The following is an entry in ClinVar:

NM_001018115.3(FANCD2):c.2794del (p.Val932fs)

Genes: FANCD2 (FA complementation group D2; plus strand), LOC107303338 (3p25 FANCD2 Alu-mediated recombination region; plus strand). Cytogenetic location: 3p25.3.
Variant type: Deletion.
Coding change: c.2794del on transcript NM_001018115.3 (MANE Select); coding-DNA position 2794, one base deleted (G; older notation c.2794delG).
Protein change: p.Val932fs; shifts the reading frame from valine 932.
Molecular consequence: frameshift variant.
Genome position (GRCh38, 1-based): chr3:10,074,608, G deleted; the last of 2 consecutive G bases (chr3:10,074,607-10,074,608); deleting either gives the same sequence. VCF-style (leftmost placement, unchanged base first): chr3-10074606-AG-A. GRCh37 (hg19) VCF-style: chr3-10116290-AG-A.
Other names: c.2794del, p.Val932fs (NM_001319984.2, NM_001374254.1, NM_033084.6); c.2683del, p.Val895fs (NM_001374253.1); short protein forms V895fs, V932fs.
Identifiers: ClinVar variation 3705201 (VCV003705201.2).

ClinVar aggregate classification (germline): Pathogenic (1 of 4 stars; one submission).

Conditions:
Fanconi anemia (FA). Also called: Fanconi's anemia. Identifiers: Orphanet 84, MedGen C0015625, MeSH D005199, MONDO:0019391.

Submission:

Labcorp Genetics (formerly Invitae), Labcorp
Classification: Pathogenic for Fanconi anemia. Last evaluated: 2024-02-23. Review status: criteria provided, single submitter. Criteria: Invitae Variant Classification Sherloc (09022015). Collection method: clinical testing. Allele origin: germline.
Comment: This sequence change creates a premature translational stop signal (p.Val932Serfs*10) in the FANCD2 gene. It is expected to result in an absent or disrupted protein product. Loss-of-function variants in FANCD2 are known to be pathogenic (PMID: 17436244). This variant is present in population databases (rs780442060, gnomAD 0.0009%). This variant has not been reported in the literature in individuals affected with FANCD2-related conditions. Algorithms developed to predict the effect of sequence changes on RNA splicing suggest that this variant may disrupt the consensus splice site. For these reasons, this variant has been classified as Pathogenic.

Literature cited by the submitters: PubMed 17436244.